The following is an entry in ClinVar:

NC_000007.14:g.38349487C>A

Genes: TRG (T cell receptor gamma locus; minus strand), TRG-AS1 (TRG antisense RNA 1; plus strand), TRGV5 (T cell receptor gamma variable 5; minus strand). Cytogenetic location: 7p14.1.
Variant type: single nucleotide variant.
Genome position: GRCh38 VCF-style: chr7-38349487-C-A. GRCh37 (hg19) VCF-style: chr7-38389088-C-A.
Identifiers: ClinVar variation 2657387 (VCV002657387.24), dbSNP rs187227295, ClinGen allele CA4224473.
Genomic context (GRCh38, chr7:38,349,487, plus strand): 5'-CCACCTCCTGGGTGTATGAGTATAATACTTTCCTGGACTGAGTCCTGATTCCAACACATC[C>A]TTTGAGTTGGAGACGTCATAGTACAGAAGACGCTGTGGGGCCTTCCCCTCCTGGTGTAGG-3'

ClinVar aggregate classification (germline): Likely benign (1 of 4 stars; one submission).

Allele frequency attached by ClinVar (database versions not stated): ESP Exome Variant Server 0.00009; gnomAD 0.00038; gnomAD exomes 0.00044; ExAC 0.00047; 1000 Genomes Project 0.00060; 1000 Genomes Project 30x 0.00109.

Submission:

CeGaT Center for Human Genetics Tuebingen
Classification: Likely benign. Last evaluated: 2022-12-01. Review status: criteria provided, single submitter. Criteria: CeGaT Center For Human Genetics Tuebingen Variant Classification Criteria Version 2. Collection method: clinical testing. Allele origin: germline. Affected: yes. Observed: 1 variant allele.
Comment: TRG-AS1: BS2